The following is an entry in ClinVar:

ClinVar aggregate classification (germline): Benign. Review status: criteria provided, multiple submitters, no conflicts (2 of 4 stars). 2 submissions from 2 submitters: Benign (2). Last evaluated 2026-02-03.

Allele frequency attached by ClinVar (database versions not stated): 1000 Genomes Project 0.00220; 1000 Genomes Project 30x 0.00265; TOPMed 0.00284; gnomAD 0.00299 and 0.00303; ExAC 0.00352; ESP Exome Variant Server 0.00354; gnomAD exomes 0.00380.
gnomAD v4.1: 5,746 of 1,599,510 alleles (0.36%); highest among the groups gnomAD compares: Middle Eastern, 1.3%; 19 homozygotes.

Submissions (2):

Labcorp Genetics (formerly Invitae), Labcorp
Classification: Benign. Last evaluated: 2026-02-03. Review status: criteria provided, single submitter. Criteria: Invitae Variant Classification Sherloc (09022015). Collection method: clinical testing. Allele origin: germline.

GeneDx
Classification: Benign. Last evaluated: 2018-02-21. Review status: criteria provided, single submitter. Criteria: GeneDx Variant Classification (06012015). Collection method: clinical testing. Allele origin: germline. Affected: yes.
Comment: This variant is considered likely benign or benign based on one or more of the following criteria: it is a conservative change, it occurs at a poorly conserved position in the protein, it is predicted to be benign by multiple in silico algorithms, and/or has population frequency not consistent with disease.

NM_007208.4(MRPL3):c.277+18G>A

Gene: MRPL3 (mitochondrial ribosomal protein L3; minus strand). Cytogenetic location: 3q22.1.
Variant type: single nucleotide variant.
Coding change: c.277+18G>A on transcript NM_007208.4 (MANE Select); 18 bases into the intron after coding-DNA position 277, G replaced by A.
Molecular consequence: intron variant.
Genome position (GRCh38, 1-based): chr3:131,501,513, C>T on the plus strand (G>A on the coding strand, the complement: MRPL3 is on the minus strand). VCF-style: chr3-131501513-C-T. GRCh37 (hg19) VCF-style: chr3-131220357-C-T.
Identifiers: ClinVar variation 388264 (VCV000388264.9), dbSNP rs149518238, ClinGen allele CA2617192.